The following is an entry in ClinVar:

NM_001267550.2(TTN):c.82964G>A (p.Gly27655Asp)

Genes: TTN (titin; minus strand), TTN-AS1 (TTN antisense RNA 1; plus strand). Cytogenetic location: 2q31.2.
Variant type: single nucleotide variant.
Coding change: c.82964G>A on transcript NM_001267550.2 (MANE Select); coding-DNA position 82964, G replaced by A.
Protein change: p.Gly27655Asp; replaces glycine 27655 with aspartic acid.
Molecular consequence: missense variant.
Genome position (GRCh38, 1-based): chr2:178,563,168, C>T on the plus strand (G>A on the coding strand, the complement: TTN is on the minus strand). VCF-style: chr2-178563168-C-T. GRCh37 (hg19) VCF-style: chr2-179427895-C-T.
Other names: c.78041G>A, p.Gly26014Asp (NM_001256850.1); c.55769G>A, p.Gly18590Asp (NM_003319.4); c.75260G>A, p.Gly25087Asp (NM_133378.4); c.56144G>A, p.Gly18715Asp (NM_133432.3); c.56345G>A, p.Gly18782Asp (NM_133437.4); short protein forms G26014D, G27655D, G18715D, G18782D, G18590D, G25087D.
Identifiers: ClinVar variation 506671 (VCV000506671.21), dbSNP rs373745130, ClinGen allele CA1988994.

ClinVar aggregate classification (germline): Uncertain significance. Review status: criteria provided, multiple submitters, no conflicts (2 of 4 stars). 8 submissions from 4 submitters: Uncertain significance (8). Last evaluated 2026-03-13.

Conditions:
Myopathy, myofibrillar, 9, with early respiratory failure (MFM9). Also called: Hereditary myopathy with early respiratory failure; EDSTROM MYOPATHY; MYOPATHY, PROXIMAL, WITH EARLY RESPIRATORY MUSCLE INVOLVEMENT; Myopathy, distal, with early respiratory failure, autosomal dominant. Identifiers: Orphanet 178464, Orphanet 34521, MedGen C1863599, MONDO:0011362, OMIM 603689.
Autosomal recessive limb-girdle muscular dystrophy type 2J (LGMDR10). Also called: Limb-girdle muscular dystrophy, type 2J; MUSCULAR DYSTROPHY, LIMB-GIRDLE, AUTOSOMAL RECESSIVE 10. Identifiers: Orphanet 140922, MedGen C1837342, MONDO:0012127, OMIM 608807.
Tibial muscular dystrophy (TMD). Also called: Udd Distal Myopathy – Tibial Muscular Dystrophy; UDD MYOPATHY; Tibial muscular dystrophy, tardive. Identifiers: Orphanet 609, MedGen C1838244, MONDO:0010870, OMIM 600334.
Dilated cardiomyopathy 1G (CMD1G). Identifiers: Orphanet 154, MedGen C1858763, MONDO:0011400, OMIM 604145.
Cardiovascular phenotype. Identifiers: MedGen CN230736.
TTN-related disorder. Also called: TTN-related condition; TTN-related disease; TTN-related disorders.
Early-onset myopathy with fatal cardiomyopathy (CMYO5). Also called: Salih Myopathy; CONGENITAL MYOPATHY 5 WITH CARDIOMYOPATHY. Identifiers: Orphanet 289377, MedGen C2673677, MONDO:0012714, OMIM 611705. Disease mechanism: loss of function.

Allele frequency attached by ClinVar (database versions not stated): gnomAD exomes below 0.00001 and 0.00001; ExAC 0.00001; gnomAD 0.00001; TOPMed 0.00001; ESP Exome Variant Server 0.00008.
gnomAD v4.1: 20 of 1,613,610 alleles (0.0012%); highest among the groups gnomAD compares: Non-Finnish European, 0.0014%; no homozygotes.

Submissions (8):

PreventionGenetics, part of Exact Sciences
Classification: Uncertain significance for TTN-related condition. Last evaluated: 2026-03-13. Review status: criteria provided, single submitter. Criteria: ACMG Guidelines, 2015. Collection method: clinical testing. Allele origin: germline.
Comment: The TTN c.82964G>A variant is predicted to result in the amino acid substitution p.Gly27655Asp. To our knowledge, this variant has not been reported in the literature. This variant is reported in 0.0016% of alleles in individuals of European (Non-Finnish) descent in gnomAD. At this time, the clinical significance of this variant is uncertain due to the absence of conclusive functional and genetic evidence.

GeneDx
Classification: Uncertain significance. Last evaluated: 2020-01-10. Review status: criteria provided, single submitter. Criteria: GeneDx Variant Classification Process June 2021. Collection method: clinical testing. Allele origin: germline. Affected: yes.
Comment: Not observed at a significant frequency in large population cohorts (Lek et al., 2016); Missense variant in a gene in which most reported pathogenic variants are truncating/loss-of-function; Has not been previously published as pathogenic or benign to our knowledge

Ambry Genetics
Classification: Uncertain significance for Cardiovascular phenotype. Last evaluated: 2019-05-29. Review status: criteria provided, single submitter. Criteria: Ambry Variant Classification Scheme 2023. Collection method: clinical testing. Allele origin: germline.
Comment: The p.G18590D variant (also known as c.55769G>A), located in coding exon 153 of the TTN gene, results from a G to A substitution at nucleotide position 55769. The glycine at codon 18590 is replaced by aspartic acid, an amino acid with similar properties. This amino acid position is highly conserved in available vertebrate species. In addition, this alteration is predicted to be probably damaging and unknown by PolyPhen and SIFT in silico analyses, respectively. Since supporting evidence is limited at this time, the clinical significance of this alteration remains unclear.

Illumina Laboratory Services, Illumina
Classification: Uncertain significance for Autosomal recessive limb-girdle muscular dystrophy type 2J. Last evaluated: 2018-01-13. Review status: criteria provided, single submitter. Criteria: ICSL Variant Classification Criteria 13 December 2019. Collection method: clinical testing. Allele origin: germline.

Illumina Laboratory Services, Illumina
Classification: Uncertain significance for Tibial muscular dystrophy. Last evaluated: 2018-01-13. Review status: criteria provided, single submitter. Criteria: ICSL Variant Classification Criteria 13 December 2019. Collection method: clinical testing. Allele origin: germline.

Illumina Laboratory Services, Illumina
Classification: Uncertain significance for Dilated cardiomyopathy 1G. Last evaluated: 2018-01-13. Review status: criteria provided, single submitter. Criteria: ICSL Variant Classification Criteria 13 December 2019. Collection method: clinical testing. Allele origin: germline.

Illumina Laboratory Services, Illumina
Classification: Uncertain significance for Early-onset myopathy with fatal cardiomyopathy. Last evaluated: 2018-01-13. Review status: criteria provided, single submitter. Criteria: ICSL Variant Classification Criteria 13 December 2019. Collection method: clinical testing. Allele origin: germline.

Illumina Laboratory Services, Illumina
Classification: Uncertain significance for Myopathy, myofibrillar, 9, with early respiratory failure. Last evaluated: 2018-01-13. Review status: criteria provided, single submitter. Criteria: ICSL Variant Classification Criteria 13 December 2019. Collection method: clinical testing. Allele origin: germline.